The following is an entry in ClinVar:

ClinVar aggregate classification (germline): Conflicting classifications of pathogenicity. Review status: criteria provided, conflicting classifications (1 of 4 stars). 5 submissions from 5 submitters: Uncertain significance (1); Benign (1); Likely benign (3). Last evaluated 2025-12-28.

Conditions:
BNAR syndrome. Also called: Bifid Nose With or Without Anorectal and Renal Anomalies (BNAR) Syndrome. Identifiers: Orphanet 217266, MedGen C2750433, MONDO:0012165, OMIM 608980.
Trigonocephaly 2 (TRIGNO2). Identifiers: Orphanet 3366, MedGen C3280974, MONDO:0013774, OMIM 614485.
Oculotrichoanal syndrome (MOTA). Also called: MARLES SYNDROME; Manitoba Oculotrichoanal (MOTA) Syndrome. Identifiers: Orphanet 2717, MedGen C1855425, MONDO:0009560, OMIM 248450.
FREM1-related disorder. Also called: FREM1-Related Disorders; FREM1-related condition.
Inborn genetic diseases. Identifiers: MedGen C0950123, MeSH D030342.

Allele frequency attached by ClinVar (database versions not stated): 1000 Genomes Project 30x 0.00250; 1000 Genomes Project 0.00280.
gnomAD v4.1: 580 of 1,613,898 alleles (0.036%); highest among the groups gnomAD compares: South Asian, 0.61%; 3 homozygotes.

Submissions (5):

Labcorp Genetics (formerly Invitae), Labcorp
Classification: Benign. Last evaluated: 2025-12-28. Review status: criteria provided, single submitter. Criteria: Invitae Variant Classification Sherloc (09022015). Collection method: clinical testing. Allele origin: germline.

Ambry Genetics
Classification: Uncertain significance for Inborn genetic diseases. Last evaluated: 2025-08-29. Review status: criteria provided, single submitter. Criteria: Ambry Variant Classification Scheme 2023. Collection method: clinical testing. Allele origin: germline.

PreventionGenetics, part of Exact Sciences
Classification: Likely benign for FREM1-related condition. Last evaluated: 2024-11-08. Review status: criteria provided, single submitter. Criteria: ACMG Guidelines, 2015. Collection method: clinical testing. Allele origin: germline.
Comment: This variant is classified as likely benign based on ACMG/AMP sequence variant interpretation guidelines (Richards et al. 2015 PMID: 25741868, with internal and published modifications).

Fulgent Genetics
Classification: Likely benign for Oculotrichoanal syndrome; BNAR syndrome; Trigonocephaly 2. Last evaluated: 2021-10-22. Review status: criteria provided, single submitter. Criteria: ACMG Guidelines, 2015. Collection method: clinical testing. Allele origin: unknown.

Illumina Laboratory Services, Illumina
Classification: Likely benign for Oculotrichoanal syndrome. Last evaluated: 2018-01-13. Review status: criteria provided, single submitter. Criteria: ICSL Variant Classification Criteria 13 December 2019. Collection method: clinical testing. Allele origin: germline.
Comment: This variant was observed in the ICSL laboratory as part of a predisposition screen in an ostensibly healthy population. It had not been previously curated by ICSL or reported in the Human Gene Mutation Database (HGMD: prior to June 1st, 2018), and was therefore a candidate for classification through an automated scoring system. Utilizing variant allele frequency, disease prevalence and penetrance estimates, and inheritance mode, an automated score was calculated to assess if this variant is too frequent to cause the disease. Based on the score and internal cut-off values, a variant classified as likely benign is not then subjected to further curation. The score for this variant resulted in a classification of likely benign for this disease.

NM_001379081.2(FREM1):c.3517G>T (p.Ala1173Ser)

Gene: FREM1 (FRAS1 related extracellular matrix 1; minus strand). Cytogenetic location: 9p22.3.
Variant type: single nucleotide variant.
Coding change: c.3517G>T on transcript NM_001379081.2 (MANE Select); coding-DNA position 3517, G replaced by T.
Protein change: p.Ala1173Ser; replaces alanine 1173 with serine.
Molecular consequence: missense variant. On other transcripts: non-coding transcript variant (2).
Genome position (GRCh38, 1-based): chr9:14,801,829, C>A on the plus strand (G>T on the coding strand, the complement: FREM1 is on the minus strand). VCF-style: chr9-14801829-C-A. GRCh37 (hg19) VCF-style: chr9-14801827-C-A.
Other names: c.3517G>T, p.Ala1173Ser (NM_144966.7); short protein forms A1173S.
Identifiers: ClinVar variation 914238 (VCV000914238.11), dbSNP rs564039071, ClinGen allele CA4990519.